The following is an entry in ClinVar:

ClinVar aggregate classification (germline): Uncertain significance. Review status: criteria provided, multiple submitters, no conflicts (2 of 4 stars). 2 submissions from 2 submitters: Uncertain significance (2). Last evaluated 2022-06-02.

Conditions:
Cardiovascular phenotype. Identifiers: MedGen CN230736.
Alstrom syndrome (ALMS). Identifiers: Orphanet 64, MedGen C0268425, MONDO:0008763, OMIM 203800.

Allele frequency attached by ClinVar (database versions not stated): TOPMed below 0.00001; gnomAD exomes 0.00001 and 0.00005; ExAC 0.00002.
gnomAD v4.1: 68 of 1,613,944 alleles (0.0042%); highest among the groups gnomAD compares: Non-Finnish European, 0.0055%; no homozygotes.

Submissions (2):

Ambry Genetics
Classification: Uncertain significance for Cardiovascular phenotype. Last evaluated: 2022-06-02. Review status: criteria provided, single submitter. Criteria: Ambry Variant Classification Scheme 2023. Collection method: clinical testing. Allele origin: germline.
Comment: The p.D504G variant (also known as c.1511A>G), located in coding exon 8 of the ALMS1 gene, results from an A to G substitution at nucleotide position 1511. The aspartic acid at codon 504 is replaced by glycine, an amino acid with similar properties. This amino acid position is highly conserved in available vertebrate species. In addition, this alteration is predicted to be tolerated by in silico analysis. Since supporting evidence is limited at this time, the clinical significance of this alteration remains unclear.

Labcorp Genetics (formerly Invitae), Labcorp
Classification: Uncertain significance for Alstrom syndrome. Last evaluated: 2021-11-26. Review status: criteria provided, single submitter. Criteria: Invitae Variant Classification Sherloc (09022015). Collection method: clinical testing. Allele origin: germline.
Comment: This sequence change replaces aspartic acid, which is acidic and polar, with glycine, which is neutral and non-polar, at codon 504 of the ALMS1 protein (p.Asp504Gly). This variant is present in population databases (rs771835386, gnomAD 0.006%). This variant has not been reported in the literature in individuals affected with ALMS1-related conditions. Experimental studies and prediction algorithms are not available or were not evaluated, and the functional significance of this variant is currently unknown. In summary, the available evidence is currently insufficient to determine the role of this variant in disease. Therefore, it has been classified as a Variant of Uncertain Significance.

NM_001378454.1(ALMS1):c.1508A>G (p.Asp503Gly)

Gene: ALMS1 (ALMS1 centrosome and basal body associated protein; plus strand). Cytogenetic location: 2p13.1.
Variant type: single nucleotide variant.
Coding change: c.1508A>G on transcript NM_001378454.1 (MANE Select); coding-DNA position 1508, A replaced by G.
Protein change: p.Asp503Gly; replaces aspartic acid 503 with glycine.
Molecular consequence: missense variant.
Genome position (GRCh38, 1-based): chr2:73,448,035, A>G. VCF-style: chr2-73448035-A-G. GRCh37 (hg19) VCF-style: chr2-73675165-A-G.
Other names: c.1511A>G, p.Asp504Gly (NM_015120.4); short protein forms D504G, D503G.
Identifiers: ClinVar variation 1436093 (VCV001436093.5), dbSNP rs771835386, ClinGen allele CA1713186.